The following is an entry in ClinVar:

NM_015978.3(TNNI3K):c.2360A>G (p.Gln787Arg)

Genes: FPGT-TNNI3K (FPGT-TNNI3K readthrough; plus strand), TNNI3K (TNNI3 interacting kinase; plus strand). Cytogenetic location: 1p31.1.
Variant type: single nucleotide variant.
Coding change: c.2360A>G on transcript NM_015978.3 (MANE Select); coding-DNA position 2360, A replaced by G.
Protein change: p.Gln787Arg; replaces glutamine 787 with arginine.
Molecular consequence: missense variant.
Genome position (GRCh38, 1-based): chr1:74,540,242, A>G. VCF-style: chr1-74540242-A-G. GRCh37 (hg19) VCF-style: chr1-75005926-A-G.
Other names: c.2663A>G, p.Gln888Arg (NM_001112808.3); short protein forms Q787R, Q888R.
Identifiers: ClinVar variation 4778155 (VCV004778155.1).
Genomic context (GRCh38, chr1:74,540,242, plus strand): 5'-ATGTTATTATCAGATCACCATACTGTGAAACTGTGTTTTATTAATTTTCCAGTGCTGGAC[A>G]ATATTCCTCTCAAGGTCTGTCTTTGGAGGAGATGAAAAGAAGTCTTCAATACACACCCAT-3'
Protein context (NP_057062.1, residues 777-797): SYAALSQSAG[Gln787Arg]YSSQGLSLEE

ClinVar aggregate classification (germline): Uncertain significance (1 of 4 stars; one submission).

Submission:

Labcorp Genetics (formerly Invitae), Labcorp
Classification: Uncertain significance. Last evaluated: 2025-10-23. Review status: criteria provided, single submitter. Criteria: Invitae Variant Classification Sherloc (09022015). Collection method: clinical testing. Allele origin: germline.
Comment: This sequence change replaces glutamine, which is neutral and polar, with arginine, which is basic and polar, at codon 787 of the TNNI3K protein (p.Gln787Arg). This variant is not present in population databases (gnomAD no frequency). This variant has not been reported in the literature in individuals affected with TNNI3K-related conditions. An algorithm developed to predict the effect of missense changes on protein structure and function (PolyPhen-2) suggests that this variant is likely to be tolerated. In summary, the available evidence is currently insufficient to determine the role of this variant in disease. Therefore, it has been classified as a Variant of Uncertain Significance.